The following is an entry in ClinVar:

NM_005431.2(XRCC2):c.367A>G (p.Ser123Gly)

Gene: XRCC2 (X-ray repair cross complementing 2; minus strand). Cytogenetic location: 7q36.1.
Variant type: single nucleotide variant.
Coding change: c.367A>G on transcript NM_005431.2 (MANE Select); coding-DNA position 367, A replaced by G.
Protein change: p.Ser123Gly; replaces serine 123 with glycine.
Molecular consequence: missense variant.
Genome position (GRCh38, 1-based): chr7:152,649,118, T>C on the plus strand (A>G on the coding strand, the complement: XRCC2 is on the minus strand). VCF-style: chr7-152649118-T-C. GRCh37 (hg19) VCF-style: chr7-152346203-T-C.
Other names: short protein forms S123G.
Identifiers: ClinVar variation 418545 (VCV000418545.5), dbSNP rs1064793296, ClinGen allele CA16618434.

ClinVar aggregate classification (germline): Uncertain significance. Review status: criteria provided, multiple submitters, no conflicts (2 of 4 stars). 3 submissions from 3 submitters: Uncertain significance (3). Last evaluated 2023-10-17.

Conditions:
Hereditary cancer-predisposing syndrome. Also called: Hereditary neoplastic syndrome; Tumor predisposition; Neoplastic Syndromes, Hereditary; Hereditary Cancer Syndrome. Identifiers: Orphanet 140162, MedGen C0027672, MeSH D009386, MONDO:0015356.

Submissions (3):

Quest Diagnostics Nichols Institute San Juan Capistrano
Classification: Uncertain significance. Last evaluated: 2023-10-17. Review status: criteria provided, single submitter. Criteria: Quest Diagnostics criteria. Collection method: clinical testing. Allele origin: unknown.
Comment: The XRCC2 c.367A>G (p.Ser123Gly) variant has not been reported in individuals with XRCC2-related conditions in the published literature. It also has not been reported in large, multi-ethnic general populations (Genome Aggregation Database). Analysis of this variant using bioinformatics tools for the prediction of the effect of amino acid changes on protein structure and function yielded conflicting predictions that this variant is benign or damaging. Based on the available information, we are unable to determine the clinical significance of this variant.

Ambry Genetics
Classification: Uncertain significance for Hereditary cancer-predisposing syndrome. Last evaluated: 2023-06-18. Review status: criteria provided, single submitter. Criteria: Ambry Variant Classification Scheme 2023. Collection method: clinical testing. Allele origin: germline.
Comment: The p.S123G variant (also known as c.367A>G), located in coding exon 3 of the XRCC2 gene, results from an A to G substitution at nucleotide position 367. The serine at codon 123 is replaced by glycine, an amino acid with similar properties. This amino acid position is conserved. In addition, this alteration is predicted to be tolerated by in silico analysis. Since supporting evidence is limited at this time, the clinical significance of this alteration remains unclear.

GeneDx
Classification: Uncertain significance. Last evaluated: 2015-02-03. Review status: criteria provided, single submitter. Criteria: GeneDx Variant Classification (06012015). Collection method: clinical testing. Allele origin: germline. Affected: yes.
Comment: This variant is denoted XRCC2 c.367A>G at the cDNA level, p.Ser123Gly (S123G) at the protein level, and results in the change of a Serine to a Glycine (AGC>GGC). This variant has not, to our knowledge, been published in the literature as pathogenic or benign. XRCC2 Ser123Gly was not observed in approximately 6,500 individuals of European and African American ancestry in the NHLBI Exome Sequencing Project, indicating it is not a common benign variant in these populations. Since Serine and Glycine differ in polarity, charge, size or other properties, this is considered a non-conservative amino acid substitution. XRCC2 Ser123Gly occurs at a position that is highly conserved across species and is located in the C-terminal domain and ATP binding domain (Miller 2004). In silico analyses predict that this variant is probably damaging to protein structure and function. Based on currently available information, it is unclear whether XRCC2 Ser123Gly is pathogenic or benign. We consider it to be a variant of uncertain significance.